The following is an entry in ClinVar:

NM_001134382.3(IQSEC1):c.1236C>T (p.Ala412=)

Gene: IQSEC1 (IQ motif and Sec7 domain ArfGEF 1; minus strand). Cytogenetic location: 3p25.2.
Variant type: single nucleotide variant.
Coding change: c.1236C>T on transcript NM_001134382.3 (MANE Select); coding-DNA position 1236, C replaced by T.
Protein change: p.Ala412=; no amino-acid change (alanine 412 retained).
Molecular consequence: synonymous variant.
Genome position (GRCh38, 1-based): chr3:12,935,780, G>A on the plus strand (C>T on the coding strand, the complement: IQSEC1 is on the minus strand). VCF-style: chr3-12935780-G-A. GRCh37 (hg19) VCF-style: chr3-12977280-G-A.
Other names: c.912C>T, p.Ala304= (NM_001330619.3); c.1560C>T, p.Ala520= (NM_001376938.2); c.1278C>T, p.Ala426= (NM_014869.8).
Identifiers: ClinVar variation 2653558 (VCV002653558.24), dbSNP rs2470957400, ClinGen allele CA432804613.

ClinVar aggregate classification (germline): Likely benign (1 of 4 stars; one submission).

Submission:

CeGaT Center for Human Genetics Tuebingen
Classification: Likely benign. Last evaluated: 2023-01-01. Review status: criteria provided, single submitter. Criteria: CeGaT Center For Human Genetics Tuebingen Variant Classification Criteria Version 2. Collection method: clinical testing. Allele origin: germline. Affected: yes. Observed: 1 variant allele.
Comment: IQSEC1: PM2:Supporting, BP4, BP7